The following is an entry in ClinVar:

NM_017617.5(NOTCH1):c.1357G>A (p.Val453Ile)

Gene: NOTCH1 (notch receptor 1; minus strand). Cytogenetic location: 9q34.3.
Variant type: single nucleotide variant.
Coding change: c.1357G>A on transcript NM_017617.5 (MANE Select); coding-DNA position 1357, G replaced by A.
Protein change: p.Val453Ile; replaces valine 453 with isoleucine.
Molecular consequence: missense variant.
Genome position (GRCh38, 1-based): chr9:136,517,836, C>T on the plus strand (G>A on the coding strand, the complement: NOTCH1 is on the minus strand). VCF-style: chr9-136517836-C-T. GRCh37 (hg19) VCF-style: chr9-139412288-C-T.
Other names: short protein forms V453I.
Identifiers: ClinVar variation 1304551 (VCV001304551.10), dbSNP rs761629787, ClinGen allele CA5341829.

ClinVar aggregate classification (germline): Conflicting classifications of pathogenicity. Review status: criteria provided, conflicting classifications (1 of 4 stars). 6 submissions from 5 submitters: Uncertain significance (5); Likely benign (1). Last evaluated 2025-09-23.

Conditions:
Adams-Oliver syndrome 5 (AOS5). Identifiers: Orphanet 974, MedGen C4014970, MONDO:0014459, OMIM 616028.
Familial thoracic aortic aneurysm and aortic dissection (TAAD). Also called: Thoracic aortic aneurysms and dissections. Identifiers: Orphanet 91387, MedGen C4707243, MONDO:0019625.
Aortic valve disease 1 (AOVD1). Identifiers: MedGen C3887892, MONDO:0024523, OMIM 109730.

Allele frequency attached by ClinVar (database versions not stated): gnomAD exomes 0.00001 and 0.00003; ExAC 0.00002; gnomAD 0.00002; TOPMed 0.00004.
gnomAD v4.1: 49 of 1,612,612 alleles (0.003%); highest among the groups gnomAD compares: East Asian, 0.0089%; no homozygotes.

Submissions (6):

Labcorp Genetics (formerly Invitae), Labcorp
Classification: Likely benign for Adams-Oliver syndrome 5. Last evaluated: 2025-09-23. Review status: criteria provided, single submitter. Criteria: Invitae Variant Classification Sherloc (09022015). Collection method: clinical testing. Allele origin: germline.

Ambry Genetics
Classification: Uncertain significance for Familial thoracic aortic aneurysm and aortic dissection. Last evaluated: 2025-09-03. Review status: criteria provided, single submitter. Criteria: Ambry Variant Classification Scheme 2023. Collection method: clinical testing. Allele origin: germline.
Comment: The p.V453I variant (also known as c.1357G>A), located in coding exon 8 of the NOTCH1 gene, results from a G to A substitution at nucleotide position 1357. The valine at codon 453 is replaced by isoleucine, an amino acid with highly similar properties. This variant was reported in individual(s) with features consistent with NOTCH1-related cardiovascular disorders (Aarabi M et al. Hum Genet, 2018 Feb;137:175-181; Ambry internal data).This amino acid position is not well conserved in available vertebrate species. In addition, this alteration is predicted to be tolerated by in silico analysis. Based on the available evidence, the clinical significance of this variant remains unclear.

Daryl Scott Lab, Baylor College of Medicine
Classification: Uncertain significance for Adams-Oliver syndrome 5. Last evaluated: 2024-04-01. Review status: criteria provided, single submitter. Criteria: ACMG Guidelines, 2015. Collection method: clinical testing. Allele origin: paternal. Observed: 1 heterozygote.
Comment: PP3

Genome-Nilou Lab
Classification: Uncertain significance for Adams-Oliver syndrome 5. Last evaluated: 2022-03-15. Review status: criteria provided, single submitter. Criteria: ACMG Guidelines, 2015. Collection method: clinical testing. Allele origin: germline. Affected: no.

Genome-Nilou Lab
Classification: Uncertain significance for Aortic valve disease 1. Last evaluated: 2022-03-15. Review status: criteria provided, single submitter. Criteria: ACMG Guidelines, 2015. Collection method: clinical testing. Allele origin: germline. Affected: no.

GeneDx
Classification: Uncertain significance. Last evaluated: 2019-12-06. Review status: criteria provided, single submitter. Criteria: GeneDx Variant Classification Process June 2021. Collection method: clinical testing. Allele origin: germline. Affected: yes.
Comment: Reported in a newborn with features compatible with Adams-Oliver syndrome (Aarabi et al., 2018); Not observed at a significant frequency in large population cohorts (Lek et al., 2016); In silico analysis, which includes protein predictors and evolutionary conservation, supports that this variant does not alter protein structure/function; This variant is associated with the following publications: (PMID: 29392406)

Literature cited by the submitters: PubMed 29392406 (cited by Ambry Genetics).